The following is an entry in ClinVar:

ClinVar aggregate classification (germline): Uncertain significance (1 of 4 stars; one submission).

gnomAD v4.1: 1 of 1,614,016 alleles (0.000062%); highest among the groups gnomAD compares: Non-Finnish European, 0.000085%; no homozygotes.

Submission:

Labcorp Genetics (formerly Invitae), Labcorp
Classification: Uncertain significance. Last evaluated: 2023-01-10. Review status: criteria provided, single submitter. Criteria: Invitae Variant Classification Sherloc (09022015). Collection method: clinical testing. Allele origin: germline.
Comment: In summary, the available evidence is currently insufficient to determine the role of this variant in disease. Therefore, it has been classified as a Variant of Uncertain Significance. Algorithms developed to predict the effect of missense changes on protein structure and function output the following: SIFT: "Tolerated"; PolyPhen-2: "Benign"; Align-GVGD: "Class C0". The methionine amino acid residue is found in multiple mammalian species, which suggests that this missense change does not adversely affect protein function. This variant has not been reported in the literature in individuals affected with PITPNM3-related conditions. This variant is not present in population databases (gnomAD no frequency). This sequence change replaces valine, which is neutral and non-polar, with methionine, which is neutral and non-polar, at codon 306 of the PITPNM3 protein (p.Val306Met).

NM_031220.4(PITPNM3):c.916G>A (p.Val306Met)

Gene: PITPNM3 (PITPNM family member 3; minus strand). Cytogenetic location: 17p13.2.
Variant type: single nucleotide variant.
Coding change: c.916G>A on transcript NM_031220.4 (MANE Select); coding-DNA position 916, G replaced by A.
Protein change: p.Val306Met; replaces valine 306 with methionine.
Molecular consequence: missense variant.
Genome position (GRCh38, 1-based): chr17:6,477,198, C>T on the plus strand (G>A on the coding strand, the complement: PITPNM3 is on the minus strand). VCF-style: chr17-6477198-C-T. GRCh37 (hg19) VCF-style: chr17-6380518-C-T.
Other names: c.808G>A, p.Val270Met (NM_001165966.2); short protein forms V270M, V306M.
Identifiers: ClinVar variation 2965860 (VCV002965860.3), dbSNP rs1905357036, ClinGen allele CA397407603.
Genomic context (GRCh38, chr17:6,477,198, plus strand): 5'-AGATGTCAATGTTGCTTTTGCTGAGACGCTTGCTGCTGGCCAGGCTGCAATCTTCCTCCA[C>T]CGCGACTGGGGTGTCCTTTGGGACCGAACAGGGGACAGGAGAGAAAAAGACTGTTGTCAC-3'
Protein context (NP_112497.2, residues 296-316): ISSTQDTPVA[Val306Met]EEDCSLASSK